The following is an entry in ClinVar:

ClinVar aggregate classification (germline): Conflicting classifications of pathogenicity. Review status: criteria provided, conflicting classifications (1 of 4 stars). 8 submissions from 8 submitters: Uncertain significance (6); Likely benign (2). Last evaluated 2026-01-19.

Conditions:
Cardiovascular phenotype. Identifiers: MedGen CN230736.
Hypertrophic cardiomyopathy 4. Also called: Familial hypertrophic cardiomyopathy 4. Identifiers: MedGen C1861862, MONDO:0007268, OMIM 115197.
Left ventricular noncompaction 10 (LVNC10). Identifiers: Orphanet 154, Orphanet 54260, MedGen C3715165, MONDO:0014163, OMIM 615396.
Cardiomyopathy (CMYO). Also called: Cardiomyopathies. Identifiers: Orphanet 167848, MedGen C0878544, MONDO:0004994, HP:0001638. Inheritance: Various modes of inheritance.
Hypertrophic cardiomyopathy. Also called: HYPERTROPHIC MYOCARDIOPATHY. Identifiers: Orphanet 217569, MedGen C0007194, MeSH D002312, MONDO:0005045, HP:0001639.

Allele frequency attached by ClinVar (database versions not stated): gnomAD 0.00006 and 0.00005; TOPMed 0.00006; gnomAD exomes 0.00001.
gnomAD v4.1: 50 of 1,612,874 alleles (0.0031%); highest among the groups gnomAD compares: Middle Eastern, 0.016%; no homozygotes.

Submissions (8):

Labcorp Genetics (formerly Invitae), Labcorp
Classification: Uncertain significance for Hypertrophic cardiomyopathy. Last evaluated: 2026-01-19. Review status: criteria provided, single submitter. Criteria: Invitae Variant Classification Sherloc (09022015). Collection method: clinical testing. Allele origin: germline.
Comment: This sequence change replaces valine, which is neutral and non-polar, with methionine, which is neutral and non-polar, at codon 437 of the MYBPC3 protein (p.Val437Met). This variant is present in population databases (rs730880535, gnomAD 0.003%). This missense change has been observed in individual(s) with dilated cardiomyopathy and/or clinical features of MYBPC3-related conditions (PMID: 21750094, 34389451). ClinVar contains an entry for this variant (Variation ID: 180929). An algorithm developed to predict the effect of missense changes on protein structure and function (PolyPhen-2) suggests that this variant is likely to be tolerated. Algorithms developed to predict the effect of sequence changes on RNA splicing suggest that this variant may create or strengthen a splice site. In summary, the available evidence is currently insufficient to determine the role of this variant in disease. Therefore, it has been classified as a Variant of Uncertain Significance.

All of Us Research Program, National Institutes of Health
Classification: Uncertain significance for Hypertrophic cardiomyopathy. Last evaluated: 2024-01-03. Review status: criteria provided, single submitter. Criteria: ACMG Guidelines, 2015. Collection method: clinical testing. Allele origin: germline. Inheritance: Autosomal dominant inheritance. Observed: 12 variant alleles, 12 heterozygotes.
Comment: This missense variant replaces valine with methionine at codon 437 of the MYBPC3 protein. Computational prediction suggests that this variant may not impact protein structure and function (internally defined REVEL score threshold <= 0.5, PMID: 27666373). To our knowledge, functional studies have not been reported for this variant. This variant has been reported in an individual affected with dilated cardiomyopathy (PMID: 21750094) and in an individual affected with sudden cardiac arrest (PMID: 34389451). This variant has been identified in 4/277996 chromosomes in the general population by the Genome Aggregation Database (gnomAD). The available evidence is insufficient to determine the role of this variant in disease conclusively. Therefore, this variant is classified as a Variant of Uncertain Significance.

This study involves interpretation of variants in research participants for the purpose of population health screening. Participant phenotype was not available at the time of variant classification. Additional details can be found in publication PMID: 35346344, PMCID: PMC8962531

Color Diagnostics, LLC DBA Color Health
Classification: Uncertain significance for Cardiomyopathy. Last evaluated: 2023-12-13. Review status: criteria provided, single submitter. Criteria: ACMG Guidelines, 2015. Collection method: clinical testing. Allele origin: germline.
Comment: This missense variant replaces valine with methionine at codon 437 of the MYBPC3 protein. Computational prediction indicates that this variant may have a neutral impact on protein structure and function. To our knowledge, functional studies have not been reported for this variant. This variant has been reported in an individual affected with dilated cardiomyopathy (PMID: 21750094) and in an individual affected with sudden cardiac arrest (PMID: 34389451). This variant has been identified in 4/277996 chromosomes in the general population by the Genome Aggregation Database (gnomAD). The available evidence is insufficient to determine the role of this variant in disease conclusively. Therefore, this variant is classified as a Variant of Uncertain Significance.

Blueprint Genetics
Classification: Likely benign. Last evaluated: 2022-09-08. Review status: criteria provided, single submitter. Criteria: ACMG Guidelines, 2015. Collection method: clinical testing. Allele origin: germline.

CHEO Genetics Diagnostic Laboratory, Children's Hospital of Eastern Ontario
Classification: Uncertain significance for Cardiomyopathy. Last evaluated: 2022-06-16. Review status: criteria provided, single submitter. Criteria: ACMG Guidelines, 2015. Collection method: clinical testing. Allele origin: germline.

Ambry Genetics
Classification: Likely benign for Cardiovascular phenotype. Last evaluated: 2022-02-02. Review status: criteria provided, single submitter. Criteria: Ambry Variant Classification Scheme 2023. Collection method: clinical testing. Allele origin: germline.

Department of Pathology and Laboratory Medicine, Sinai Health System
Classification: Uncertain significance for Hypertrophic cardiomyopathy 4; Left ventricular noncompaction 10. Last evaluated: 2021-07-30. Review status: criteria provided, single submitter. Criteria: ACMG Guidelines, 2015. Collection method: research. Allele origin: germline.

GeneDx
Classification: Uncertain significance. Last evaluated: 2018-07-20. Review status: criteria provided, single submitter. Criteria: GeneDx Variant Classification (06012015). Collection method: clinical testing. Allele origin: germline. Affected: yes.
Comment: The V437M variant in the MYBPC3 gene has been reported in one individual with dilated cardiomyopathy (Waldmuller S et al., 2011). The V437M variant is not observed at a significant frequency in large population cohorts (Lek et al., 2016). The V437M variant is a conservative amino acid substitution, which is not likely to impact secondary protein structure as these residues share similar properties. In-silico analyses, including protein predictors and evolutionary conservation, support that this variant does not alter protein structure/function. We interpret V437M as a variant of uncertain significance.

Literature cited by the submitters: PubMed 21750094 (cited by 4 submitters); PubMed 34389451 (cited by 3 submitters); PubMed 30847666 (cited by Ambry Genetics); PubMed 33029862 (cited by Ambry Genetics).

NM_000256.3(MYBPC3):c.1309G>A (p.Val437Met)

Gene: MYBPC3 (myosin binding protein C3; minus strand). Cytogenetic location: 11p11.2.
Variant type: single nucleotide variant.
Coding change: c.1309G>A on transcript NM_000256.3 (MANE Select); coding-DNA position 1309, G replaced by A.
Protein change: p.Val437Met; replaces valine 437 with methionine.
Molecular consequence: missense variant.
Genome position (GRCh38, 1-based): chr11:47,343,063, C>T on the plus strand (G>A on the coding strand, the complement: MYBPC3 is on the minus strand). VCF-style: chr11-47343063-C-T. GRCh37 (hg19) VCF-style: chr11-47364614-C-T.
Other names: p.V437M:GTG>ATG; c.1309G>A, p.Val437Met (LRG_386t1); short protein forms V437M.
Identifiers: ClinVar variation 180929 (VCV000180929.21), dbSNP rs730880535, ClinGen allele CA010060.
Genomic context (GRCh38, chr11:47,343,063, plus strand): 5'-CTCAGGTCCCAGGCCCACCTTTCACAAAGAGCTCCGTGCTACACTTCTCGCCACCCACCA[C>T]GCACTGGTAGGCTGCGTCGTCCGCCAATGAGCACTGGCTGATGGTCAGGGTACGCTTGGC-3'
Protein context (NP_000247.2, residues 427-447): SLADDAAYQC[Val437Met]VGGEKCSTEL